The following is an entry in ClinVar:

ClinVar aggregate classification (germline): Uncertain significance (1 of 4 stars; one submission).

Conditions:
Neurofibromatosis, type 1 (NF1). Also called: Neurofibromatosis, type I; NEUROFIBROMATOSIS, TYPE I, SOMATIC; Peripheral type neurofibromatosis; VON RECKLINGHAUSEN DISEASE. Identifiers: Orphanet 636, MedGen C0027831, MONDO:0018975, OMIM 162200. Disease mechanism: loss of function.

Submission:

Labcorp Genetics (formerly Invitae), Labcorp
Classification: Uncertain significance for Neurofibromatosis, type 1. Last evaluated: 2021-03-10. Review status: criteria provided, single submitter. Criteria: Invitae Variant Classification Sherloc (09022015). Collection method: clinical testing. Allele origin: germline.
Comment: This sequence change replaces alanine with valine at codon 1383 of the NF1 protein (p.Ala1383Val). The alanine residue is highly conserved and there is a small physicochemical difference between alanine and valine. This variant is not present in population databases (ExAC no frequency) and has not been reported in the literature in individuals with a NF1-related disease. Algorithms developed to predict the effect of missense changes on protein structure and function do not agree on the potential impact of this missense change (SIFT: "Deleterious"; PolyPhen-2: "Benign"; Align-GVGD: "Class C0"). In summary, this variant is a novel missense change with uncertain impact on protein function. It has been classified as a Variant of Uncertain Significance.

NM_001042492.3(NF1):c.4211C>T (p.Ala1404Val)

Gene: NF1 (neurofibromin 1; plus strand). Cytogenetic location: 17q11.2.
Variant type: single nucleotide variant.
Coding change: c.4211C>T on transcript NM_001042492.3 (MANE Select); coding-DNA position 4211, C replaced by T.
Protein change: p.Ala1404Val; replaces alanine 1404 with valine.
Molecular consequence: missense variant.
Genome position (GRCh38, 1-based): chr17:31,258,381, C>T. VCF-style: chr17-31258381-C-T. GRCh37 (hg19) VCF-style: chr17-29585399-C-T.
Other names: c.4148C>T, p.Ala1383Val (NM_000267.4); short protein forms A1383V, A1404V.
Identifiers: ClinVar variation 404436 (VCV000404436.5), dbSNP rs1060500257, ClinGen allele CA16615210.
Genomic context (GRCh38, chr17:31,258,381, plus strand): 5'-AATTCTCAACTCCTTGTTTTTAGGTGGTTAGCCAGCGTTTCCCTCAGAACAGCATCGGTG[C>T]AGTAGGAAGTGCCATGTTCCTCAGATTTATCAATCCTGCCATTGTCTCACCGTATGAAGC-3'
Protein context (NP_001035957.1, residues 1394-1414): SQRFPQNSIG[Ala1404Val]VGSAMFLRFI